The following is an entry in ClinVar:

ClinVar aggregate classification (germline): Pathogenic. Review status: reviewed by expert panel (3 of 4 stars). 23 submissions from 22 submitters: Pathogenic (1). 22 of the submissions do not count toward it. Last evaluated 2017-04-03.
ClinVar aggregate classification (somatic clinical impact): Tier I - Strong (1 of 4 stars; one submission).

Conditions:
HRAS-related disorder. Also called: HRAS-related condition.
HRAS-related disorders.
Noonan syndrome and Noonan-related syndrome. Identifiers: Orphanet 98733, MedGen C5681679, MONDO:0020297.
Epidermal nevus. Also called: NEVUS, KERATINOCYTIC, NONEPIDERMOLYTIC; Nevus, epidermal, somatic. Identifiers: Orphanet 79414, MedGen C0334082, MONDO:0008093, OMIM 162900, HP:0010816.
Malignant tumor of urinary bladder. Also called: Urinary Bladder Neoplasms; Bladder cancer; Urinary bladder cancer. Identifiers: MedGen C0005684, MONDO:0001187, OMIM 109800.
Thyroid cancer, nonmedullary, 2 (NMTC2). Also called: Thyroid carcinoma, follicular, somatic; THYROID CANCER, NONMEDULLARY, 2, SUSCEPTIBILITY TO; THYROID CARCINOMA, FOLLICULAR. Identifiers: MedGen C4225426, MONDO:0008566, OMIM 188470.
Linear nevus sebaceous syndrome. Also called: JADASSOHN NEVUS PHAKOMATOSIS; NEVUS SEBACEUS OF JADASSOHN; Linear nevus sebaceous; Linear sebaceous nevus sequence; ORGANOID NEVUS PHAKOMATOSIS; SFM SYNDROME. Identifiers: Orphanet 2612, MedGen C4552097, MONDO:0008097, OMIM 163200, HP:0010817.
Large congenital melanocytic nevus (CMNS). Also called: Giant congenital nevus; PIGMENTED MOLES; Giant hairy nevus; Bathing trunk nevus; Congenital giant pigmented nevus; MELANOCYTIC NEVUS SYNDROME, CONGENITAL, SOMATIC. Identifiers: Orphanet 626, MedGen C1842036, MONDO:0044792, OMIM 137550, HP:0005600.
Costello syndrome (CSTLO). Also called: FCS SYNDROME; FACIOCUTANEOSKELETAL SYNDROME; HRAS-Related Costello Syndrome. Identifiers: Orphanet 3071, MedGen C0587248, MONDO:0009026, OMIM 218040.
RASopathy. Also called: Noonan spectrum disorder; rasopathies. Identifiers: Orphanet 536391, MedGen C5555857, MONDO:0021060.
Noonan syndrome (NS). Also called: Noonan's syndrome. Identifiers: Orphanet 648, MedGen C0028326, MeSH D009634, MONDO:0018997. Disease mechanism: gain of function.
Rhabdomyosarcoma. Also called: Rhabdomyosarcoma (disease). Identifiers: Orphanet 780, MedGen C0035412, MeSH D012208, MONDO:0005212, HP:0002859.

Submissions 1 to 10 of 24:

ClinGen RASopathy Variant Curation Expert Panel
Classification: Pathogenic for Noonan syndrome. Last evaluated: 2017-04-03. Review status: reviewed by expert panel. Criteria: ClinGen RASopathy ACMG Specifications v1. Collection method: curation. Allele origin: germline. Inheritance: Autosomal dominant inheritance.
Comment: The c.37G>T (p.Gly13Cys) variant in HRAS has been reported as a confirmed de novo occurrence in at least 2 patients with clinical features of a RASopathy (PS2_VeryStrong; PMID 21438134, 16329078). The p.Gly13Cys variant has been identified in at least 3 other independent occurrence in patients with clinical features of a RASopathy (PS4_Moderate; PMID: 16372351). This variant was absent from large population studies (PM2; ExAC). The variant is located in the HRAS gene, which has been defined by the ClinGen RASopathy Expert Panel as a gene with a low rate of benign missense variants and pathogenic missense variants are common (PP2; PMID: 29493581). Computational prediction tools and conservation analysis suggest that the p.Gly13Cys variant may impact the protein (PP3). Furthermore, the variant is in a location that has been defined by the ClinGen RASopathy Expert Panel to be a mutational hotspot or domain of HRAS (PM1; PMID 29493581). In summary, this variant meets criteria to be classified as pathogenic for RASopathies in an autosomal dominant manner. Rasopathy-specific ACMG/AMP criteria applied (PMID: 29493581): PP2, PP3, PM1, PM2, PS4_Moderate, PS2_VeryStrong.

Institute of Human Genetics, Heidelberg University
Classification: Pathogenic for Costello syndrome. Last evaluated: 2026-04-30. Review status: criteria provided, single submitter. Criteria: ACMG Guidelines, 2015. Collection method: clinical testing. Allele origin: de novo. Affected: yes. Observed: 1 variant allele. Not counted in ClinVar's aggregate classification.
Comment: PM2_supp, PS4_mod, PM1, PS2_str, PP3_supp

Variantyx, Inc.
Classification: Pathogenic for Costello syndrome. Last evaluated: 2025-10-08. Review status: criteria provided, single submitter. Criteria: Variantyx Assertion Criteria 2022. Collection method: clinical testing. Allele origin: de novo. Inheritance: Autosomal dominant inheritance. Affected: yes. Not counted in ClinVar's aggregate classification.
Comment: This is a nonsynonymous variant in the HRAS gene (OMIM: 190020). Pathogenic variants in this gene have been associated with autosomal dominant Costello syndrome. Functional studies have shown that this variant alters HRAS protein function (PMID: 21850009) (PS3) and multiple computational algorithms predict a deleterious effect for this variant (REVEL score: 0.745) (PP3). This variant lies within a known hotspot for pathogenic variants or a well-established critical functional domain of the HRAS protein (PM1). It is absent from control populations (PM2). Other reputable laboratories have reported this variant as pathogenic or likely pathogenic, and this classification has been validated by an expert panel in ClinVar. This variant is classified as pathogenic for autosomal dominant Costello syndrome.

Labcorp Genetics (formerly Invitae), Labcorp
Classification: Pathogenic for Costello syndrome. Last evaluated: 2025-08-18. Review status: criteria provided, single submitter. Criteria: Invitae Variant Classification Sherloc (09022015). Collection method: clinical testing. Allele origin: germline. Not counted in ClinVar's aggregate classification.
Comment: This sequence change replaces glycine, which is neutral and non-polar, with cysteine, which is neutral and slightly polar, at codon 13 of the HRAS protein (p.Gly13Cys). This variant is not present in population databases (gnomAD no frequency). This missense change has been observed in individual(s) with Costello syndrome (PMID: 16329078, 16372351, 18042262, 21438134). In at least one individual the variant was observed to be de novo. ClinVar contains an entry for this variant (Variation ID: 12606). Invitae Evidence Modeling incorporating data from in vitro experimental studies (internal data) indicates that this missense variant is expected to disrupt HRAS function with a positive predictive value of 95%. Experimental studies have shown that this missense change affects HRAS function (PMID: 21850009). This missense change is located in codon 13 of the HRAS gene product. Genetic studies of individuals with Costello syndrome show that more than 90% of all HRAS missense variants in these patients occur in either codon 12 or 13 of this gene (PMID: 16329078, 18042262, 21438134, 16372351). This indicates that missense changes involving these two codons are a common cause of disease. For these reasons, this variant has been classified as Pathogenic.

CeGaT Center for Human Genetics Tuebingen
Classification: Pathogenic. Last evaluated: 2025-07-01. Review status: criteria provided, single submitter. Criteria: CeGaT Center For Human Genetics Tuebingen Variant Classification Criteria Version 2. Collection method: clinical testing. Allele origin: germline. Affected: yes. Observed: 1 variant allele. Not counted in ClinVar's aggregate classification.
Comment: HRAS: PS4, PM1, PM2, PM5, PS2:Moderate, PP2

Blueprint Genetics
Classification: Pathogenic for HRAS-related disorders. Last evaluated: 2024-09-05. Review status: criteria provided, single submitter. Criteria: ACMG Guidelines, 2015. Collection method: clinical testing. Allele origin: germline. Affected: yes. Observed: 2 variant alleles. Not counted in ClinVar's aggregate classification.

Genomic Medicine Center of Excellence, King Faisal Specialist Hospital and Research Centre
Classification: Pathogenic for Costello syndrome. Last evaluated: 2024-04-04. Review status: criteria provided, single submitter. Criteria: ACMG Guidelines, 2015. Collection method: clinical testing. Allele origin: germline. Not counted in ClinVar's aggregate classification.

Baylor Genetics
Classification: Pathogenic for Costello syndrome. Last evaluated: 2024-01-09. Review status: criteria provided, single submitter. Criteria: ACMG Guidelines, 2015. Collection method: clinical testing. Allele origin: unknown. Not counted in ClinVar's aggregate classification.

Daryl Scott Lab, Baylor College of Medicine
Classification: Pathogenic for HRAS-related disorder. Last evaluated: 2024-01-01. Review status: criteria provided, single submitter. Criteria: ACMG Guidelines, 2015. Collection method: clinical testing. Allele origin: de novo. Affected: yes. Observed: 1 heterozygote. Not counted in ClinVar's aggregate classification.
Comment: PM1, PM2, PS2_VeryStrong, PS4_Moderate, PM1, PM2, PP2, PP3,

Institute for Genomic Medicine (IGM) Clinical Laboratory, Nationwide Children's Hospital
Classification: Tier I - Strong for Rhabdomyosarcoma. Assertion type: diagnostic. Clinical significance: supports diagnosis. Last evaluated: 2022-10-22. Review status: criteria provided, single submitter. Criteria: AMP/ASCO/CAP Guidelines, 2017. Collection method: clinical testing. Allele origin: somatic. Affected: yes.
Comment: Variant has Tier I (strong) clinical significance as a diagnostic inclusion criterion in rhabdomyosarcoma, based on the following evidence: 1) Documented in one or more cancer databases (e.g., St. Jude Pecan, COSMIC, CIViC, OncoKB). 2) Appears in one or more well-established professional guidelines (e.g., World Health Organization [WHO]; National Comprehensive Cancer Network [NCCN]) as providing diagnostic, prognostic, or therapeutic information. 3) Information in the literature supports potential biologic effect of variant (PMID: 25705018). 4) Diagnostic for a specific tumor type/classification based on well-powered studies with expert-level consensus (Evidence Level B; PMIDs: 26349418, 24436047).

NM_005343.4(HRAS):c.37G>T (p.Gly13Cys)

Genes: HRAS (HRas proto-oncogene, GTPase; minus strand), LRRC56 (leucine rich repeat containing 56; plus strand). Cytogenetic location: 11p15.5.
Variant type: single nucleotide variant.
Coding change: c.37G>T on transcript NM_005343.4 (MANE Select); coding-DNA position 37, G replaced by T.
Protein change: p.Gly13Cys; replaces glycine 13 with cysteine.
Molecular consequence: missense variant. On other transcripts: 5 prime UTR variant (1).
Genome position (GRCh38, 1-based): chr11:534,286, C>A on the plus strand (G>T on the coding strand, the complement: HRAS is on the minus strand). VCF-style: chr11-534286-C-A. GRCh37 (hg19) VCF-style: chr11-534286-C-A.
Other names: p.G13C:GGT>TGT; NM_005343.3(HRAS):c.37G>T; c.37G>T, p.Gly13Cys (NM_001130442.3, NM_176795.5); c.-283G>T (NM_001318054.2); c.37G>A (NM_005343.2); short protein forms G13C.
Identifiers: ClinVar variation 12606 (VCV000012606.46), dbSNP rs104894228, ClinGen allele CA295247.